The following is an entry in ClinVar:

NM_000719.7(CACNA1C):c.6407G>A (p.Ser2136Asn)

Gene: CACNA1C (calcium voltage-gated channel subunit alpha1 C; plus strand). Cytogenetic location: 12p13.33.
Variant type: single nucleotide variant.
Coding change: c.6407G>A on transcript NM_000719.7 (MANE Select); coding-DNA position 6407, G replaced by A.
Protein change: p.Ser2136Asn; replaces serine 2136 with asparagine.
Molecular consequence: missense variant.
Genome position (GRCh38, 1-based): chr12:2,691,189, G>A. VCF-style: chr12-2691189-G-A. GRCh37 (hg19) VCF-style: chr12-2800355-G-A.
Other names: c.6551G>A, p.Ser2184Asn (NM_001129827.2); c.6530G>A, p.Ser2177Asn (NM_001129829.2); c.6512G>A, p.Ser2171Asn (NM_001129830.3, NM_001167624.3); c.6491G>A, p.Ser2164Asn (NM_001129831.2); c.6467G>A, p.Ser2156Asn (NM_001129832.2); c.6464G>A, p.Ser2155Asn (NM_001129833.2, NM_001129834.2, NM_001129835.2); c.6458G>A, p.Ser2153Asn (NM_001129836.2); c.6431G>A, p.Ser2144Asn (NM_001129837.2, NM_001129838.2); and 6 more; short protein forms S2136N, S2171N, S2184N, S2125N, S2133N, S2164N, S2219N, S2155N.
Identifiers: ClinVar variation 457000 (VCV000457000.9), dbSNP rs1556337119, ClinGen allele CA383387984.

ClinVar aggregate classification (germline): Uncertain significance (1 of 4 stars; one submission).

Conditions:
Long QT syndrome (LQTS). Identifiers: MedGen C0023976, MeSH D008133, MONDO:0002442. Disease mechanism: loss of function. Inheritance: Various modes of inheritance.

Submission:

Labcorp Genetics (formerly Invitae), Labcorp
Classification: Uncertain significance for Long QT syndrome. Last evaluated: 2025-08-21. Review status: criteria provided, single submitter. Criteria: Invitae Variant Classification Sherloc (09022015). Collection method: clinical testing. Allele origin: germline.
Comment: This sequence change replaces serine, which is neutral and polar, with asparagine, which is neutral and polar, at codon 2136 of the CACNA1C protein (p.Ser2136Asn). This variant is not present in population databases (gnomAD no frequency). This variant has not been reported in the literature in individuals affected with CACNA1C-related conditions. ClinVar contains an entry for this variant (Variation ID: 457000). Invitae Evidence Modeling of protein sequence and biophysical properties (such as structural, functional, and spatial information, amino acid conservation, physicochemical variation, residue mobility, and thermodynamic stability) indicates that this missense variant is not expected to disrupt CACNA1C protein function with a negative predictive value of 95%. In summary, the available evidence is currently insufficient to determine the role of this variant in disease. Therefore, it has been classified as a Variant of Uncertain Significance.